The following is an entry in ClinVar:

NM_002528.7(NTHL1):c.560T>C (p.Ile187Thr)

Gene: NTHL1 (nth like DNA glycosylase 1; minus strand). Cytogenetic location: 16p13.3.
Variant type: single nucleotide variant.
Coding change: c.560T>C on transcript NM_002528.7 (MANE Select); coding-DNA position 560, T replaced by C.
Protein change: p.Ile187Thr; replaces isoleucine 187 with threonine.
Molecular consequence: missense variant.
Genome position (GRCh38, 1-based): chr16:2,043,692, A>G on the plus strand (T>C on the coding strand, the complement: NTHL1 is on the minus strand). VCF-style: chr16-2043692-A-G. GRCh37 (hg19) VCF-style: chr16-2093693-A-G.
Other names: c.389T>C, p.Ile130Thr (NM_001318193.2); c.230T>C, p.Ile77Thr (NM_001318194.2); short protein forms I130T, I77T, I187T.
Identifiers: ClinVar variation 1381434 (VCV001381434.9), dbSNP rs1339505198, ClinGen allele CA394292207.

ClinVar aggregate classification (germline): Uncertain significance. Review status: criteria provided, multiple submitters, no conflicts (2 of 4 stars). 2 submissions from 2 submitters: Uncertain significance (2). Last evaluated 2024-12-21.

Conditions:
Hereditary cancer-predisposing syndrome. Also called: Tumor predisposition; Neoplastic Syndromes, Hereditary; Hereditary Cancer Syndrome; Hereditary neoplastic syndrome. Identifiers: Orphanet 140162, MedGen C0027672, MeSH D009386, MONDO:0015356.

Allele frequency attached by ClinVar (database versions not stated): gnomAD 0.00001; TOPMed 0.00002.
gnomAD v4.1: 1 of 1,612,066 alleles (0.000062%); highest among the groups gnomAD compares: African/African-American, 0.0013%; no homozygotes.

Submissions (2):

Ambry Genetics
Classification: Uncertain significance for Hereditary cancer-predisposing syndrome. Last evaluated: 2024-12-21. Review status: criteria provided, single submitter. Criteria: Ambry Variant Classification Scheme 2023. Collection method: clinical testing. Allele origin: germline.
Comment: The p.I195T variant (also known as c.584T>C), located in coding exon 4 of the NTHL1 gene, results from a T to C substitution at nucleotide position 584. The isoleucine at codon 195 is replaced by threonine, an amino acid with similar properties. This amino acid position is conserved. In addition, the in silico prediction for this alteration is inconclusive. Since supporting evidence is limited at this time, the clinical significance of this alteration remains unclear.

Labcorp Genetics (formerly Invitae), Labcorp
Classification: Uncertain significance. Last evaluated: 2024-11-12. Review status: criteria provided, single submitter. Criteria: Invitae Variant Classification Sherloc (09022015). Collection method: clinical testing. Allele origin: germline.
Comment: This sequence change replaces isoleucine, which is neutral and non-polar, with threonine, which is neutral and polar, at codon 195 of the NTHL1 protein (p.Ile195Thr). This variant is not present in population databases (gnomAD no frequency). This variant has not been reported in the literature in individuals affected with NTHL1-related conditions. ClinVar contains an entry for this variant (Variation ID: 1381434). An algorithm developed to predict the effect of missense changes on protein structure and function (PolyPhen-2) suggests that this variant is likely to be tolerated. In summary, the available evidence is currently insufficient to determine the role of this variant in disease. Therefore, it has been classified as a Variant of Uncertain Significance.